The following is an entry in ClinVar:

NM_000540.3(RYR1):c.165+5G>T

Gene: RYR1 (ryanodine receptor 1; plus strand). Cytogenetic location: 19q13.2.
Variant type: single nucleotide variant.
Coding change: c.165+5G>T on transcript NM_000540.3 (MANE Select); 5 bases into the intron after coding-DNA position 165, G replaced by T.
Molecular consequence: intron variant.
Genome position (GRCh38, 1-based): chr19:38,440,869, G>T. VCF-style: chr19-38440869-G-T. GRCh37 (hg19) VCF-style: chr19-38931509-G-T.
Other names: c.165+5G>T (NM_001042723.2).
Identifiers: ClinVar variation 662982 (VCV000662982.8), dbSNP rs371043203, ClinGen allele CA915952974.

ClinVar aggregate classification (germline): Uncertain significance (1 of 4 stars; one submission).

Conditions:
RYR1-related disorder. Also called: RYR1-related disorders; RYR1-related condition. Identifiers: MedGen CN239331.

Submission:

Labcorp Genetics (formerly Invitae), Labcorp
Classification: Uncertain significance for RYR1-related disorder. Last evaluated: 2022-06-27. Review status: criteria provided, single submitter. Criteria: Invitae Variant Classification Sherloc (09022015). Collection method: clinical testing. Allele origin: germline.
Comment: ClinVar contains an entry for this variant (Variation ID: 662982). This sequence change falls in intron 2 of the RYR1 gene. It does not directly change the encoded amino acid sequence of the RYR1 protein. It affects a nucleotide within the consensus splice site. This variant is not present in population databases (gnomAD no frequency). This variant has not been reported in the literature in individuals affected with RYR1-related conditions. Variants that disrupt the consensus splice site are a relatively common cause of aberrant splicing (PMID: 17576681, 9536098). Algorithms developed to predict the effect of sequence changes on RNA splicing suggest that this variant is not likely to affect RNA splicing. In summary, the available evidence is currently insufficient to determine the role of this variant in disease. Therefore, it has been classified as a Variant of Uncertain Significance.

Literature cited by the submitters: PubMed 17576681; PubMed 9536098.